The following is an entry in ClinVar:

NM_007294.4(BRCA1):c.3964A>G (p.Lys1322Glu)

Genes: BRCA1 (BRCA1 DNA repair associated; minus strand), LOC126862571 (BRD4-independent group 4 enhancer GRCh37_chr17:41243136-41244335; plus strand). Cytogenetic location: 17q21.31.
Variant type: single nucleotide variant.
Coding change: c.3964A>G on transcript NM_007294.4 (MANE Select); coding-DNA position 3964, A replaced by G.
Protein change: p.Lys1322Glu; replaces lysine 1322 with glutamic acid.
Molecular consequence: missense variant. On other transcripts: intron variant (135).
Genome position (GRCh38, 1-based): chr17:43,091,567, T>C on the plus strand (A>G on the coding strand, the complement: BRCA1 is on the minus strand). VCF-style: chr17-43091567-T-C. GRCh37 (hg19) VCF-style: chr17-41243584-T-C.
Other names: c.662-535A>G (NM_001408433.1, NM_001408446.1, NM_001408435.1 and 6 more transcripts); c.785-535A>G (NM_001408400.1, NM_001408392.1, NM_001407986.1 and 13 more transcripts); c.665-535A>G (NM_001408441.1, NM_001408437.1, NM_001408429.1 and 12 more transcripts); c.788-535A>G (NM_001407979.1, NM_001407977.1, NM_001407982.1 and 17 more transcripts); c.647-535A>G (NM_001408410.1, NM_001408458.1, NM_001408469.1 and 11 more transcripts); c.710-535A>G (NM_001408415.1, NM_001408412.1, NM_001408409.1 and 2 more transcripts); c.578-535A>G (NM_001408483.1, NM_001408481.1, NM_001408480.1 and 9 more transcripts); c.3751A>G, p.Lys1251Glu (NM_001407571.1, NM_001407853.1, NM_001407894.1 and 9 more transcripts); and 41 more; short protein forms K1322E, K1275E, K1211E, K1233E, K1254E, K1255E, K1319E, K1321E.
Identifiers: ClinVar variation 232294 (VCV000232294.9), dbSNP rs80357343, ClinGen allele CA10580541.

ClinVar aggregate classification (germline): Conflicting classifications of pathogenicity. Review status: criteria provided, conflicting classifications (1 of 4 stars). 2 submissions from 2 submitters: Uncertain significance (1); Likely benign (1). Last evaluated 2025-06-04.

Conditions:
Hereditary cancer-predisposing syndrome. Also called: Neoplastic Syndromes, Hereditary; Tumor predisposition; Hereditary Cancer Syndrome; Hereditary neoplastic syndrome. Identifiers: Orphanet 140162, MedGen C0027672, MeSH D009386, MONDO:0015356.

Allele frequency attached by ClinVar (database versions not stated): gnomAD exomes below 0.00001.
gnomAD v4.1: 4 of 1,614,222 alleles (0.00025%); highest among the groups gnomAD compares: Non-Finnish European, 0.00034%; no homozygotes.

Submissions (2):

Ambry Genetics
Classification: Uncertain significance for Hereditary cancer-predisposing syndrome. Last evaluated: 2025-06-04. Review status: criteria provided, single submitter. Criteria: Ambry Variant Classification Scheme 2023. Collection method: clinical testing. Allele origin: germline.
Comment: The p.K1322E variant (also known as c.3964A>G), located in coding exon 9 of the BRCA1 gene, results from an A to G substitution at nucleotide position 3964. The lysine at codon 1322 is replaced by glutamic acid, an amino acid with similar properties. This amino acid position is well conserved in available vertebrate species. In addition, the in silico prediction for this alteration is inconclusive. Based on the available evidence, the clinical significance of this variant remains unclear.

University of Washington Department of Laboratory Medicine, University of Washington
Classification: Likely benign for Hereditary cancer-predisposing syndrome. Last evaluated: 2023-03-23. Review status: criteria provided, single submitter. Criteria: Dines et al. (Genet Med. 2020). Collection method: curation. Allele origin: germline.
Comment: Missense variant in a coldspot region where missense variants are very unlikely to be pathogenic (PMID:31911673).

BRCA1 coldspot (exon 11 using historical exon numbering). Reclassification based on statistical prior probability